The following is an entry in ClinVar:

ClinVar aggregate classification (germline): Uncertain significance. Review status: criteria provided, multiple submitters, no conflicts (2 of 4 stars). 2 submissions from 2 submitters: Uncertain significance (2). Last evaluated 2023-10-25.

Conditions:
Fanconi anemia complementation group O. Also called: RAD51C-Related Fanconi Anemia. Identifiers: Orphanet 84, MedGen C3150653, MONDO:0013248, OMIM 613390.
Breast-ovarian cancer, familial, susceptibility to, 3. Also called: RAD51C-Related Breast/Ovarian Cancer. Identifiers: Orphanet 145, MedGen C3150659, MONDO:0013253, OMIM 613399.

Submissions (2):

Labcorp Genetics (formerly Invitae), Labcorp
Classification: Uncertain significance for Fanconi anemia complementation group O. Last evaluated: 2023-10-25. Review status: criteria provided, single submitter. Criteria: Invitae Variant Classification Sherloc (09022015). Collection method: clinical testing. Allele origin: germline.
Comment: This sequence change replaces histidine, which is basic and polar, with glutamine, which is neutral and polar, at codon 187 of the RAD51C protein (p.His187Gln). This variant is not present in population databases (gnomAD no frequency). This variant has not been reported in the literature in individuals affected with RAD51C-related conditions. ClinVar contains an entry for this variant (Variation ID: 2502442). Algorithms developed to predict the effect of missense changes on protein structure and function output the following: SIFT: "Not Available"; PolyPhen-2: "Benign"; Align-GVGD: "Not Available". The glutamine amino acid residue is found in multiple mammalian species, which suggests that this missense change does not adversely affect protein function. In summary, the available evidence is currently insufficient to determine the role of this variant in disease. Therefore, it has been classified as a Variant of Uncertain Significance.

KCCC/NGS Laboratory, Kuwait Cancer Control Center
Classification: Uncertain significance for Breast-ovarian cancer, familial, susceptibility to, 3. Last evaluated: 2023-05-15. Review status: criteria provided, single submitter. Criteria: ACMG Guidelines, 2015. Collection method: clinical testing. Allele origin: unknown. Affected: yes. Observed: 1 heterozygote.
Comment: A variant of uncertain significance was detected in the RAD51C gene (c.561C>G). This sequence change replaces histidine with glutamine at codon 187 of the RAD51C protein (p.His187Gln). The amino acid residue is not conserved (PhyloP =-0.14). This variant is not present in population databases (gnom AD) nor in our local database. This alteration is predicted to be tolerated by in silico analysis. Same amino acid change reported in (Clinvar: 841430 ) c.561C>A (p.His187Gln) classified as uncertain significant variant . In summary, the available evidence is currently insufficient to determine the role of this variant in disease. Therefore, it has been classified as a Variant of Uncertain Significance. Pathogenic/likely pathogenic mutations in the RAD51C gene cause Familial Breast-Ovarian (OMIM# 613399 ).

NM_058216.3(RAD51C):c.561C>G (p.His187Gln)

Gene: RAD51C (RAD51 paralog C; plus strand). Cytogenetic location: 17q22.
Variant type: single nucleotide variant.
Coding change: c.561C>G on transcript NM_058216.3 (MANE Select); coding-DNA position 561, C replaced by G.
Protein change: p.His187Gln; replaces histidine 187 with glutamine.
Molecular consequence: missense variant.
Genome position (GRCh38, 1-based): chr17:58,696,849, C>G. VCF-style: chr17-58696849-C-G. GRCh37 (hg19) VCF-style: chr17-56774210-C-G.
Other names: short protein forms H187Q.
Identifiers: ClinVar variation 2502442 (VCV002502442.5), dbSNP rs2048033583, ClinGen allele CA400345467.